The following is an entry in ClinVar:

ClinVar aggregate classification (germline): Uncertain significance. Review status: criteria provided, multiple submitters, no conflicts (2 of 4 stars). 2 submissions from 2 submitters: Uncertain significance (2). Last evaluated 2026-07-28.

Submissions (2):

GeneDx
Classification: Uncertain significance. Last evaluated: 2026-07-28. Review status: criteria provided, single submitter. Criteria: GeneDx Variant Classification Process June 2021. Collection method: clinical testing. Allele origin: germline.
Comment: Frameshift variant predicted to result in protein truncation or nonsense mediated decay in a gene or region of a gene for which loss of function is not a well-established mechanism of disease; Has not been previously published as pathogenic or benign to our knowledge; Variants in candidate genes are classified as variants of uncertain significance in accordance with ACMG guidelines (PMID: 25741868)

Labcorp Genetics (formerly Invitae), Labcorp
Classification: Uncertain significance. Last evaluated: 2026-01-05. Review status: criteria provided, single submitter. Criteria: Invitae Variant Classification Sherloc (09022015). Collection method: clinical testing. Allele origin: germline.
Comment: This sequence change creates a premature translational stop signal (p.Lys74Leufs*4) in the DIAPH3 gene. It is expected to result in an absent or disrupted protein product. However, the current clinical and genetic evidence is not sufficient to establish whether loss-of-function variants in DIAPH3 cause disease. This variant is present in population databases (rs767024661, gnomAD 0.02%). This variant has not been reported in the literature in individuals affected with DIAPH3-related conditions. ClinVar contains an entry for this variant (Variation ID: 1314662). In summary, the available evidence is currently insufficient to determine the role of this variant in disease. Therefore, it has been classified as a Variant of Uncertain Significance.

NM_001042517.2(DIAPH3):c.219_222del (p.Lys74fs)

Gene: DIAPH3 (diaphanous related formin 3; minus strand). Cytogenetic location: 13q21.2.
Variant type: Deletion.
Coding change: c.219_222del on transcript NM_001042517.2 (MANE Select); coding-DNA positions 219 to 222, 4 bases deleted (CAAA; older notation c.219_222delCAAA).
Protein change: p.Lys74fs; shifts the reading frame from lysine 74.
Molecular consequence: frameshift variant. On other transcripts: intron variant (1).
Genome position (GRCh38, 1-based): chr13:60,112,178-60,112,181, TTTG deleted on the plus strand (CAAA on the coding strand, the reverse complement: DIAPH3 is on the minus strand); deleting any 4 consecutive bases within chr13:60,112,178-60,112,182 gives the same sequence; the c. name uses the placement nearest the transcript's 3' end. VCF-style (leftmost placement, unchanged base first): chr13-60112177-ATTTG-A. GRCh37 (hg19) VCF-style: chr13-60686311-ATTTG-A.
Other names: c.186_189del, p.Lys63fs (NM_001258366.2, NM_001258367.2); c.219_222del, p.Lys74fs (NM_001258369.2); c.181-18449_181-18446del (NM_001258368.2); short protein forms K63fs, K74fs.
Identifiers: ClinVar variation 1314662 (VCV001314662.9), dbSNP rs767024661, ClinGen allele CA6997050.